The following is an entry in ClinVar:

ClinVar aggregate classification (germline): Uncertain significance. Review status: criteria provided, multiple submitters, no conflicts (2 of 4 stars). 6 submissions from 6 submitters: Uncertain significance (6). Last evaluated 2025-10-14.

Conditions:
Inborn genetic diseases. Identifiers: MedGen C0950123, MeSH D030342.
Neuronal ceroid lipofuscinosis 11. Also called: GRN-Related Neuronal Ceroid-Lipofuscinosis. Identifiers: Orphanet 314629, Orphanet 79262, MedGen C3539123, MONDO:0013866, OMIM 614706.
GRN-related frontotemporal lobar degeneration with Tdp43 inclusions (FTD2). Also called: FRONTOTEMPORAL LOBAR DEGENERATION WITH UBIQUITIN-POSITIVE INCLUSIONS; FTLD-TDP, GRN-RELATED; GRN Frontotemporal Dementia; FRONTOTEMPORAL DEMENTIA WITH TDP43 INCLUSIONS, GRN-RELATED; DEMENTIA, HEREDITARY DYSPHASIC DISINHIBITION. Identifiers: Orphanet 100070, Orphanet 282, MedGen C1843792, MONDO:0011842, OMIM 607485. Disease mechanism: loss of function.

Allele frequency attached by ClinVar (database versions not stated): gnomAD 0.00001 and 0.00002; TOPMed 0.00002; gnomAD exomes 0.00004 and 0.00007; ExAC 0.00005.
gnomAD v4.1: 59 of 1,613,616 alleles (0.0037%); highest among the groups gnomAD compares: Middle Eastern, 0.049%; 1 homozygote.

Submissions (6):

Labcorp Genetics (formerly Invitae), Labcorp
Classification: Uncertain significance for Neuronal ceroid lipofuscinosis 11; GRN-related frontotemporal lobar degeneration with Tdp43 inclusions. Last evaluated: 2025-10-14. Review status: criteria provided, single submitter. Criteria: Invitae Variant Classification Sherloc (09022015). Collection method: clinical testing. Allele origin: germline.
Comment: This sequence change replaces proline, which is neutral and non-polar, with alanine, which is neutral and non-polar, at codon 430 of the GRN protein (p.Pro430Ala). This variant is present in population databases (rs200645022, gnomAD 0.01%). This variant has not been reported in the literature in individuals affected with GRN-related conditions. ClinVar contains an entry for this variant (Variation ID: 451952). Invitae Evidence Modeling of protein sequence and biophysical properties (such as structural, functional, and spatial information, amino acid conservation, physicochemical variation, residue mobility, and thermodynamic stability) indicates that this missense variant is not expected to disrupt GRN protein function with a negative predictive value of 80%. In summary, the available evidence is currently insufficient to determine the role of this variant in disease. Therefore, it has been classified as a Variant of Uncertain Significance.

Ambry Genetics
Classification: Uncertain significance for Inborn genetic diseases. Last evaluated: 2025-08-13. Review status: criteria provided, single submitter. Criteria: Ambry Variant Classification Scheme 2023. Collection method: clinical testing. Allele origin: germline.

GeneDx
Classification: Uncertain significance. Last evaluated: 2023-05-25. Review status: criteria provided, single submitter. Criteria: GeneDx Variant Classification Process June 2021. Collection method: clinical testing. Allele origin: germline. Affected: yes.
Comment: In silico analysis supports that this missense variant has a deleterious effect on protein structure/function; Has not been previously published as pathogenic or benign to our knowledge

Mayo Clinic Laboratories, Mayo Clinic
Classification: Uncertain significance. Last evaluated: 2019-06-24. Review status: criteria provided, single submitter. Criteria: ACMG Guidelines, 2015. Collection method: clinical testing. Allele origin: germline. Observed: 1 variant allele.

Fulgent Genetics
Classification: Uncertain significance for GRN-related frontotemporal lobar degeneration with Tdp43 inclusions; Neuronal ceroid lipofuscinosis 11. Last evaluated: 2018-10-31. Review status: criteria provided, single submitter. Criteria: ACMG Guidelines, 2015. Collection method: clinical testing. Allele origin: unknown.

Breakthrough Genomics
Classification: Uncertain significance. Review status: criteria provided, single submitter. Criteria: ACMG Guidelines, 2015. Collection method: not provided. Allele origin: germline. Inheritance: Autosomal recessive inheritance. Affected: yes.

NM_002087.4(GRN):c.1288C>G (p.Pro430Ala)

Gene: GRN (granulin precursor; plus strand). Cytogenetic location: 17q21.31.
Variant type: single nucleotide variant.
Coding change: c.1288C>G on transcript NM_002087.4 (MANE Select); coding-DNA position 1288, C replaced by G.
Protein change: p.Pro430Ala; replaces proline 430 with alanine.
Molecular consequence: missense variant.
Genome position (GRCh38, 1-based): chr17:44,352,123, C>G. VCF-style: chr17-44352123-C-G. GRCh37 (hg19) VCF-style: chr17-42429491-C-G.
Other names: short protein forms P430A.
Identifiers: ClinVar variation 451952 (VCV000451952.15), dbSNP rs200645022, ClinGen allele CA8602163.